The following is an entry in ClinVar:

ClinVar aggregate classification (germline): Uncertain significance (1 of 4 stars; one submission).

Submission:

GeneDx
Classification: Uncertain significance. Last evaluated: 2023-12-07. Review status: criteria provided, single submitter. Criteria: GeneDx Variant Classification Process June 2021. Collection method: clinical testing. Allele origin: germline. Affected: yes.
Comment: Not observed at significant frequency in large population cohorts (gnomAD); In silico analysis supports that this missense variant does not alter protein structure/function; Has not been previously published as pathogenic or benign to our knowledge

NM_022168.4(IFIH1):c.1571A>G (p.Asn524Ser)

Gene: IFIH1 (interferon induced with helicase C domain 1; minus strand). Cytogenetic location: 2q24.2.
Variant type: single nucleotide variant.
Coding change: c.1571A>G on transcript NM_022168.4 (MANE Select); coding-DNA position 1571, A replaced by G.
Protein change: p.Asn524Ser; replaces asparagine 524 with serine.
Molecular consequence: missense variant.
Genome position (GRCh38, 1-based): chr2:162,280,066, T>C on the plus strand (A>G on the coding strand, the complement: IFIH1 is on the minus strand). VCF-style: chr2-162280066-T-C. GRCh37 (hg19) VCF-style: chr2-163136576-T-C.
Other names: short protein forms N524S.
Identifiers: ClinVar variation 3252357 (VCV003252357.1), dbSNP rs2468962662.